The following is an entry in ClinVar:

NM_015915.5(ATL1):c.1330G>T (p.Ala444Ser)

Gene: ATL1 (atlastin GTPase 1; plus strand). Cytogenetic location: 14q22.1.
Variant type: single nucleotide variant.
Coding change: c.1330G>T on transcript NM_015915.5 (MANE Select); coding-DNA position 1330, G replaced by T.
Protein change: p.Ala444Ser; replaces alanine 444 with serine.
Molecular consequence: missense variant.
Genome position (GRCh38, 1-based): chr14:50,628,241, G>T. VCF-style: chr14-50628241-G-T. GRCh37 (hg19) VCF-style: chr14-51094959-G-T.
Other names: c.1330G>T, p.Ala444Ser (NM_001127713.1, NM_181598.4); short protein forms A444S.
Identifiers: ClinVar variation 959516 (VCV000959516.11), dbSNP rs2039541394, ClinGen allele CA389676061.

ClinVar aggregate classification (germline): Uncertain significance. Review status: criteria provided, multiple submitters, no conflicts (2 of 4 stars). 2 submissions from 2 submitters: Uncertain significance (2). Last evaluated 2021-04-05.

Conditions:
Hereditary spastic paraplegia 3A (SPG3A). Also called: Spastic paraplegia 3A, autosomal dominant; SPASTIC PARAPLEGIA 3, AUTOSOMAL DOMINANT; FAMILIAL SPASTIC PARAPLEGIA, AUTOSOMAL DOMINANT, 1; SPG3; STRUMPELL DISEASE; Spastic Paraplegia 3A. Identifiers: Orphanet 100984, MedGen C2931355, MONDO:0008437, OMIM 182600.

Allele frequency attached by ClinVar (database versions not stated): gnomAD exomes below 0.00001.
gnomAD v4.1: 1 of 1,614,140 alleles (0.000062%); highest among the groups gnomAD compares: Non-Finnish European, 0.000085%; no homozygotes.

Submissions (2):

Labcorp Genetics (formerly Invitae), Labcorp
Classification: Uncertain significance for Hereditary spastic paraplegia 3A. Last evaluated: 2021-04-05. Review status: criteria provided, single submitter. Criteria: Invitae Variant Classification Sherloc (09022015). Collection method: clinical testing. Allele origin: germline.
Comment: This sequence change replaces alanine with serine at codon 444 of the ATL1 protein (p.Ala444Ser). The alanine residue is highly conserved and there is a moderate physicochemical difference between alanine and serine. In summary, the available evidence is currently insufficient to determine the role of this variant in disease. Therefore, it has been classified as a Variant of Uncertain Significance. Algorithms developed to predict the effect of missense changes on protein structure and function (SIFT, PolyPhen-2, Align-GVGD) all suggest that this variant is likely to be tolerated, but these predictions have not been confirmed by published functional studies and their clinical significance is uncertain. This variant has not been reported in the literature in individuals with ATL1-related conditions. This variant is not present in population databases (ExAC no frequency).

GeneDx
Classification: Uncertain significance. Last evaluated: 2019-10-10. Review status: criteria provided, single submitter. Criteria: GeneDx Variant Classification Process June 2021. Collection method: clinical testing. Allele origin: germline. Affected: yes.
Comment: Not observed in large population cohorts (Lek et al., 2016); In silico analysis, which includes protein predictors and evolutionary conservation, supports that this variant does not alter protein structure/function; Has not been previously published as pathogenic or benign to our knowledge